The following is an entry in ClinVar:

NM_000044.6(AR):c.2591T>C (p.Leu864Pro)

Gene: AR (androgen receptor; plus strand). Cytogenetic location: Xq12.
Variant type: single nucleotide variant.
Coding change: c.2591T>C on transcript NM_000044.6 (MANE Select); coding-DNA position 2591, T replaced by C.
Protein change: p.Leu864Pro; replaces leucine 864 with proline.
Molecular consequence: missense variant.
Genome position (GRCh38, 1-based): chrX:67,722,968, T>C. VCF-style: chrX-67722968-T-C. GRCh37 (hg19) VCF-style: chrX-66942810-T-C.
Other names: c.995T>C, p.Leu332Pro (NM_001011645.3); short protein forms L332P, L864P.
Identifiers: ClinVar variation 988401 (VCV000988401.4), dbSNP rs2076142560, ClinGen allele CA413428089.

ClinVar aggregate classification (germline): Conflicting classifications of pathogenicity. Review status: criteria provided, conflicting classifications (1 of 4 stars). 2 submissions from 2 submitters: Likely pathogenic (1); Uncertain significance (1). Last evaluated 2023-02-16.

Conditions:
Androgen resistance syndrome (AIS). Also called: ANDROGEN RECEPTOR DEFICIENCY; Androgen insensitivity syndrome; Androgen insensitivity, complete; Androgen insensitivity; DIHYDROTESTOSTERONE RECEPTOR DEFICIENCY; TESTICULAR FEMINIZATION SYNDROME. Identifiers: Orphanet 754, Orphanet 99429, MedGen C0039585, MONDO:0019154, OMIM 300068. Disease mechanism: loss of function.
Kennedy disease (SMAX1). Also called: SPINAL AND BULBAR MUSCULAR ATROPHY, X-LINKED 1; KENNEDY SPINAL AND BULBAR MUSCULAR ATROPHY; Spinal and Bulbar Muscular Atrophy. Identifiers: Orphanet 481, MedGen C1839259, MONDO:0010735, OMIM 313200.

Submissions (2):

Labcorp Genetics (formerly Invitae), Labcorp
Classification: Uncertain significance for Kennedy disease; Androgen resistance syndrome. Last evaluated: 2023-02-16. Review status: criteria provided, single submitter. Criteria: Invitae Variant Classification Sherloc (09022015). Collection method: clinical testing. Allele origin: germline.
Comment: This variant is not present in population databases (gnomAD no frequency). In summary, the available evidence is currently insufficient to determine the role of this variant in disease. Therefore, it has been classified as a Variant of Uncertain Significance. Advanced modeling of protein sequence and biophysical properties (such as structural, functional, and spatial information, amino acid conservation, physicochemical variation, residue mobility, and thermodynamic stability) has been performed at Invitae for this missense variant, however the output from this modeling did not meet the statistical confidence thresholds required to predict the impact of this variant on AR protein function. ClinVar contains an entry for this variant (Variation ID: 988401). This variant has not been reported in the literature in individuals affected with AR-related conditions. This sequence change replaces leucine, which is neutral and non-polar, with proline, which is neutral and non-polar, at codon 864 of the AR protein (p.Leu864Pro).

Clinical Genetics and Genomics, Karolinska University Hospital
Classification: Likely pathogenic. Last evaluated: 2019-03-07. Review status: criteria provided, single submitter. Criteria: ACMG Guidelines, 2015. Collection method: clinical testing. Allele origin: germline. Affected: yes. Observed: 1 variant allele.